The following is an entry in ClinVar:

NM_006494.4(ERF):c.506C>A (p.Ser169Ter)

Gene: ERF (ETS2 repressor factor; minus strand). Cytogenetic location: 19q13.2.
Variant type: single nucleotide variant.
Coding change: c.506C>A on transcript NM_006494.4 (MANE Select); coding-DNA position 506, C replaced by A.
Protein change: p.Ser169Ter; replaces serine 169 with a stop codon.
Molecular consequence: nonsense.
Genome position (GRCh38, 1-based): chr19:42,249,606, G>T on the plus strand (C>A on the coding strand, the complement: ERF is on the minus strand). VCF-style: chr19-42249606-G-T. GRCh37 (hg19) VCF-style: chr19-42753758-G-T.
Other names: c.281C>A, p.Ser94Ter (NM_001301035.2, NM_001308402.2, NM_001312656.2); short protein forms S169*, S94*.
Identifiers: ClinVar variation 3339269 (VCV003339269.1).
Genomic context (GRCh38, chr19:42,249,606, plus strand): 5'-CAGTCACTGACTGAGCCTCGGCCCAGGCGGCGGGCCACCACAGCCGAGAAGAGGGAAGAT[G>T]AAGATGAAGAGCAGGCTGGTGGTGAGCGGGGGTCCTCGGTGGGGGACAGCACCTCGGAGG-3'

ClinVar aggregate classification (germline): Pathogenic (1 of 4 stars; one submission).

Conditions:
ERF-related disorder. Also called: ERF-related condition; ERF-related disorders.

Submission:

Women's Health and Genetics/Laboratory Corporation of America, LabCorp
Classification: Pathogenic for ERF-Related Disorders. Last evaluated: 2024-07-29. Review status: criteria provided, single submitter. Criteria: LabCorp Variant Classification Summary - May 2015. Collection method: clinical testing. Allele origin: germline.
Comment: Variant summary: ERF c.506C>A (p.Ser169X) results in a premature termination codon, predicted to cause a truncation of the encoded protein or absence of the protein due to nonsense mediated decay, which are commonly known mechanisms for disease. A truncation downstream of this variant has been classified as pathogenic by our laboratory (c.1201_1202del; p.Lys401Glufs*10). The variant was absent in 249776 control chromosomes. To our knowledge, no occurrence of c.506C>A in individuals affected with ERF-Related Disorders and no experimental evidence demonstrating its impact on protein function have been reported. No submitters have cited clinical-significance assessments for this variant to ClinVar. Based on the evidence outlined above, the variant was classified as pathogenic.